The following is an entry in ClinVar:

ClinVar aggregate classification (germline): Pathogenic (1 of 4 stars; one submission).

Conditions:
Primary ciliary dyskinesia. Also called: Ciliary dyskinesia. Identifiers: Orphanet 244, MedGen C0008780, MONDO:0016575, HP:0012265.

Submission:

Labcorp Genetics (formerly Invitae), Labcorp
Classification: Pathogenic for Primary ciliary dyskinesia. Last evaluated: 2024-05-12. Review status: criteria provided, single submitter. Criteria: Invitae Variant Classification Sherloc (09022015). Collection method: clinical testing. Allele origin: germline.
Comment: This sequence change creates a premature translational stop signal (p.Ser1920Tyrfs*14) in the DNAH11 gene. It is expected to result in an absent or disrupted protein product. Loss-of-function variants in DNAH11 are known to be pathogenic (PMID: 18022865, 20513915, 22184204). This variant is not present in population databases (gnomAD no frequency). This variant has not been reported in the literature in individuals affected with DNAH11-related conditions. For these reasons, this variant has been classified as Pathogenic.

Literature cited by the submitters: PubMed 18022865; PubMed 20513915; PubMed 22184204.

NM_001277115.2(DNAH11):c.5758_5759insA (p.Ser1920fs)

Gene: DNAH11 (dynein axonemal heavy chain 11; plus strand). Cytogenetic location: 7p15.3.
Variant type: Insertion.
Coding change: c.5758_5759insA on transcript NM_001277115.2 (MANE Select); coding-DNA positions 5758 to 5759, A inserted.
Protein change: p.Ser1920fs; shifts the reading frame from serine 1920.
Molecular consequence: frameshift variant.
Genome position: GRCh38 VCF-style: chr7-21687235-T-TA. GRCh37 (hg19) VCF-style: chr7-21726853-T-TA.
Other names: short protein forms S1920fs.
Identifiers: ClinVar variation 3623338 (VCV003623338.2).